The following is an entry in ClinVar:

NM_003737.4(DCHS1):c.1384G>A (p.Val462Ile)

Gene: DCHS1 (dachsous cadherin-related 1; minus strand). Cytogenetic location: 11p15.4.
Variant type: single nucleotide variant.
Coding change: c.1384G>A on transcript NM_003737.4 (MANE Select); coding-DNA position 1384, G replaced by A.
Protein change: p.Val462Ile; replaces valine 462 with isoleucine.
Molecular consequence: missense variant.
Genome position (GRCh38, 1-based): chr11:6,640,230, C>T on the plus strand (G>A on the coding strand, the complement: DCHS1 is on the minus strand). VCF-style: chr11-6640230-C-T. GRCh37 (hg19) VCF-style: chr11-6661461-C-T.
Other names: short protein forms V462I.
Identifiers: ClinVar variation 3618275 (VCV003618275.2).

ClinVar aggregate classification (germline): Uncertain significance (1 of 4 stars; one submission).

gnomAD v4.1: 20 of 1,612,614 alleles (0.0012%); highest among the groups gnomAD compares: Middle Eastern, 0.016%; no homozygotes.

Submission:

Labcorp Genetics (formerly Invitae), Labcorp
Classification: Uncertain significance. Last evaluated: 2024-12-06. Review status: criteria provided, single submitter. Criteria: Invitae Variant Classification Sherloc (09022015). Collection method: clinical testing. Allele origin: germline.
Comment: This sequence change replaces valine, which is neutral and non-polar, with isoleucine, which is neutral and non-polar, at codon 462 of the DCHS1 protein (p.Val462Ile). This variant is present in population databases (rs143438025, gnomAD 0.007%). This variant has not been reported in the literature in individuals affected with DCHS1-related conditions. Invitae Evidence Modeling of protein sequence and biophysical properties (such as structural, functional, and spatial information, amino acid conservation, physicochemical variation, residue mobility, and thermodynamic stability) indicates that this missense variant is not expected to disrupt DCHS1 protein function with a negative predictive value of 80%. In summary, the available evidence is currently insufficient to determine the role of this variant in disease. Therefore, it has been classified as a Variant of Uncertain Significance.